The following is an entry in ClinVar:

NM_005228.5(EGFR):c.392G>C (p.Gly131Ala)

Gene: EGFR (epidermal growth factor receptor; plus strand). Cytogenetic location: 7p11.2.
Variant type: single nucleotide variant.
Coding change: c.392G>C on transcript NM_005228.5 (MANE Select); coding-DNA position 392, G replaced by C.
Protein change: p.Gly131Ala; replaces glycine 131 with alanine.
Molecular consequence: missense variant. On other transcripts: intron variant (1).
Genome position (GRCh38, 1-based): chr7:55,143,456, G>C. VCF-style: chr7-55143456-G-C. GRCh37 (hg19) VCF-style: chr7-55211149-G-C.
Other names: c.392G>C, p.Gly131Ala (NM_001346897.2, NM_001346898.2, NM_001346899.2 and 3 more transcripts); c.233G>C, p.Gly78Ala (NM_001346900.2); c.89-12374G>C (NM_001346941.2); short protein forms G131A, G78A.
Identifiers: ClinVar variation 5035830 (VCV005035830.1).

ClinVar aggregate classification (germline): Uncertain significance (1 of 4 stars; one submission).

Conditions:
Hereditary cancer-predisposing syndrome. Also called: Hereditary Cancer Syndrome; Neoplastic Syndromes, Hereditary; Tumor predisposition; Hereditary neoplastic syndrome. Identifiers: Orphanet 140162, MedGen C0027672, MeSH D009386, MONDO:0015356.

Submission:

Ambry Genetics
Classification: Uncertain significance for Hereditary cancer-predisposing syndrome. Last evaluated: 2026-09-01. Review status: criteria provided, single submitter. Criteria: Ambry Variant Classification Scheme 2023. Collection method: clinical testing. Allele origin: germline.
Comment: The p.G131A variant (also known as c.392G>C), located in coding exon 3 of the EGFR gene, results from a G to C substitution at nucleotide position 392. The glycine at codon 131 is replaced by alanine, an amino acid with similar properties. This amino acid position is highly conserved in available vertebrate species. In addition, the in silico prediction for this alteration is inconclusive. Based on the available evidence, the clinical significance of this variant remains unclear.